The following is an entry in ClinVar:

ClinVar aggregate classification (germline): Uncertain significance (1 of 4 stars; one submission).

Conditions:
Generalized epilepsy with febrile seizures plus, type 7 (GEFSP7). Also called: GEFS+, TYPE 7. Identifiers: Orphanet 36387, MedGen C2751778, MONDO:0013470, OMIM 613863.
Neuropathy, hereditary sensory and autonomic, type 2A (HSAN2A). Also called: WNK1-Related HSAN2 (HSAN2A); HSAN IIA; MORVAN DISEASE; NEUROPATHY, CONGENITAL SENSORY; NEUROPATHY, HEREDITARY SENSORY RADICULAR, AUTOSOMAL RECESSIVE; NEUROPATHY, HEREDITARY SENSORY, TYPE IIA. Identifiers: Orphanet 970, MedGen C2752089, MONDO:0024309, OMIM 201300.

Allele frequency attached by ClinVar (database versions not stated): gnomAD exomes below 0.00001; gnomAD 0.00001; TOPMed 0.00001.
gnomAD v4.1: 2 of 1,614,006 alleles (0.00012%); highest among the groups gnomAD compares: East Asian, 0.0045%; no homozygotes.

Submission:

Labcorp Genetics (formerly Invitae), Labcorp
Classification: Uncertain significance for Neuropathy, hereditary sensory and autonomic, type 2A; Generalized epilepsy with febrile seizures plus, type 7. Last evaluated: 2021-06-24. Review status: criteria provided, single submitter. Criteria: Invitae Variant Classification Sherloc (09022015). Collection method: clinical testing. Allele origin: germline.
Comment: This variant is not present in population databases (ExAC no frequency). This variant has not been reported in the literature in individuals with SCN9A-related conditions. Algorithms developed to predict the effect of missense changes on protein structure and function (SIFT, PolyPhen-2, Align-GVGD) all suggest that this variant is likely to be disruptive, but these predictions have not been confirmed by published functional studies and their clinical significance is uncertain. In summary, the available evidence is currently insufficient to determine the role of this variant in disease. Therefore, it has been classified as a Variant of Uncertain Significance. This sequence change replaces aspartic acid with valine at codon 1779 of the SCN9A protein (p.Asp1779Val). The aspartic acid residue is highly conserved and there is a large physicochemical difference between aspartic acid and valine.

NM_001365536.1(SCN9A):c.5369A>T (p.Asp1790Val)

Genes: SCN9A (sodium voltage-gated channel alpha subunit 9; minus strand), SCN1A-AS1 (SCN1A and SCN9A antisense RNA 1; plus strand). Cytogenetic location: 2q24.3.
Variant type: single nucleotide variant.
Coding change: c.5369A>T on transcript NM_001365536.1 (MANE Select); coding-DNA position 5369, A replaced by T.
Protein change: p.Asp1790Val; replaces aspartic acid 1790 with valine.
Molecular consequence: missense variant.
Genome position (GRCh38, 1-based): chr2:166,199,270, T>A on the plus strand (A>T on the coding strand, the complement: SCN9A is on the minus strand). VCF-style: chr2-166199270-T-A. GRCh37 (hg19) VCF-style: chr2-167055780-T-A.
Other names: c.5336A>T, p.Asp1779Val (NM_002977.4); short protein forms D1779V, D1790V.
Identifiers: ClinVar variation 1398229 (VCV001398229.8), dbSNP rs1297406734, ClinGen allele CA349053222.
Genomic context (GRCh38, chr2:166,199,270, plus strand): 5'-TCCAGGGCAGCTGCAAAATCAGAGAGTTTAGAGAACTCTATAAACTGGGTCGCATCGGGA[T>A]CAAACTTCTCCCAAACCTCATAGAACATCTCAAAGTCATCCTCACTCAGAGGTTCAGTAC-3'
Protein context (NP_001352465.1, residues 1780-1800): EMFYEVWEKF[Asp1790Val]PDATQFIEFS